The following is an entry in ClinVar:

NM_000539.3(RHO):c.82C>A (p.Gln28Lys)

Gene: RHO (rhodopsin; plus strand). Cytogenetic location: 3q22.1.
Variant type: single nucleotide variant.
Coding change: c.82C>A on transcript NM_000539.3 (MANE Select); coding-DNA position 82, C replaced by A.
Protein change: p.Gln28Lys; replaces glutamine 28 with lysine.
Molecular consequence: missense variant.
Genome position (GRCh38, 1-based): chr3:129,528,815, C>A. VCF-style: chr3-129528815-C-A. GRCh37 (hg19) VCF-style: chr3-129247658-C-A.
Other names: short protein forms Q28K.
Identifiers: ClinVar variation 1423304 (VCV001423304.8), dbSNP rs2108749182, ClinGen allele CA354495572.

ClinVar aggregate classification (germline): Uncertain significance (1 of 4 stars; one submission).

Submission:

Labcorp Genetics (formerly Invitae), Labcorp
Classification: Uncertain significance. Last evaluated: 2023-08-28. Review status: criteria provided, single submitter. Criteria: Invitae Variant Classification Sherloc (09022015). Collection method: clinical testing. Allele origin: germline.
Comment: This variant has not been reported in the literature in individuals affected with RHO-related conditions. ClinVar contains an entry for this variant (Variation ID: 1423304). Advanced modeling of protein sequence and biophysical properties (such as structural, functional, and spatial information, amino acid conservation, physicochemical variation, residue mobility, and thermodynamic stability) performed at Invitae indicates that this missense variant is expected to disrupt RHO protein function. This variant disrupts the p.Gln28 amino acid residue in RHO. Other variant(s) that disrupt this residue have been observed in individuals with RHO-related conditions (PMID: 8406457, 24106275, 25408095, 28041643, 30977563), which suggests that this may be a clinically significant amino acid residue. In summary, the available evidence is currently insufficient to determine the role of this variant in disease. Therefore, it has been classified as a Variant of Uncertain Significance. This sequence change replaces glutamine, which is neutral and polar, with lysine, which is basic and polar, at codon 28 of the RHO protein (p.Gln28Lys). This variant is not present in population databases (gnomAD no frequency).

Literature cited by the submitters: PubMed 8406457; PubMed 24106275; PubMed 25408095; PubMed 28041643; PubMed 30977563.